The following is an entry in ClinVar:

NM_015047.3(EMC1):c.95+3G>C

Gene: EMC1 (ER membrane protein complex subunit 1; minus strand). Cytogenetic location: 1p36.13.
Variant type: single nucleotide variant.
Coding change: c.95+3G>C on transcript NM_015047.3 (MANE Select); 3 bases into the intron after coding-DNA position 95, G replaced by C.
Molecular consequence: intron variant.
Genome position (GRCh38, 1-based): chr1:19,251,412, C>G on the plus strand (G>C on the coding strand, the complement: EMC1 is on the minus strand). VCF-style: chr1-19251412-C-G. GRCh37 (hg19) VCF-style: chr1-19577906-C-G.
Other names: c.95+3G>C (NM_001271429.2, NM_001271427.2, NM_001375821.1 and 2 more transcripts).
Identifiers: ClinVar variation 3364783 (VCV003364783.1).
Genomic context (GRCh38, chr1:19,251,412, plus strand): 5'-GGTAGGAGACAGGTACTGGGGAAACAGCCACTTATCTCTCGAATATGTTCCACACGTACG[C>G]ACCAATCAAACTTGCCCACTTGGTCTTCGTAGACCGCGGCCGCAGGAATCAGCAGCGTAG-3'

ClinVar aggregate classification (germline): Uncertain significance (1 of 4 stars; one submission).

Submission:

GeneDx
Classification: Uncertain significance. Last evaluated: 2023-11-30. Review status: criteria provided, single submitter. Criteria: GeneDx Variant Classification Process June 2021. Collection method: clinical testing. Allele origin: germline. Affected: yes.
Comment: Not observed at significant frequency in large population cohorts (gnomAD); In silico analysis supports a deleterious effect on splicing; Has not been previously published as pathogenic or benign to our knowledge